The following is an entry in ClinVar:

ClinVar aggregate classification (germline): Uncertain significance (1 of 4 stars; one submission).

Conditions:
Hereditary spastic paraplegia 3A (SPG3A). Also called: Spastic paraplegia 3A, autosomal dominant; SPASTIC PARAPLEGIA 3, AUTOSOMAL DOMINANT; FAMILIAL SPASTIC PARAPLEGIA, AUTOSOMAL DOMINANT, 1; SPG3; STRUMPELL DISEASE; Spastic Paraplegia 3A. Identifiers: Orphanet 100984, MedGen C2931355, MONDO:0008437, OMIM 182600.

Submission:

Labcorp Genetics (formerly Invitae), Labcorp
Classification: Uncertain significance for Hereditary spastic paraplegia 3A. Last evaluated: 2022-04-25. Review status: criteria provided, single submitter. Criteria: Invitae Variant Classification Sherloc (09022015). Collection method: clinical testing. Allele origin: germline.
Comment: In summary, the available evidence is currently insufficient to determine the role of this variant in disease. Therefore, it has been classified as a Variant of Uncertain Significance. This sequence change replaces aspartic acid, which is acidic and polar, with glutamic acid, which is acidic and polar, at codon 378 of the ATL1 protein (p.Asp378Glu). This variant is not present in population databases (gnomAD no frequency). This variant has not been reported in the literature in individuals affected with ATL1-related conditions. Algorithms developed to predict the effect of missense changes on protein structure and function (SIFT, PolyPhen-2, Align-GVGD) all suggest that this variant is likely to be tolerated.

NM_015915.5(ATL1):c.1134C>G (p.Asp378Glu)

Gene: ATL1 (atlastin GTPase 1; plus strand). Cytogenetic location: 14q22.1.
Variant type: single nucleotide variant.
Coding change: c.1134C>G on transcript NM_015915.5 (MANE Select); coding-DNA position 1134, C replaced by G.
Protein change: p.Asp378Glu; replaces aspartic acid 378 with glutamic acid.
Molecular consequence: missense variant.
Genome position (GRCh38, 1-based): chr14:50,628,045, C>G. VCF-style: chr14-50628045-C-G. GRCh37 (hg19) VCF-style: chr14-51094763-C-G.
Other names: c.1134C>G, p.Asp378Glu (NM_001127713.1, NM_181598.4); short protein forms D378E.
Identifiers: ClinVar variation 2129849 (VCV002129849.4), dbSNP rs2504576897, ClinGen allele CA389675346.